The following is an entry in ClinVar:

ClinVar aggregate classification (germline): Uncertain significance (1 of 4 stars; one submission).

Conditions:
Kabuki syndrome 2 (KABUK2). Also called: KDM6A-Related Kabuki Syndrome. Identifiers: Orphanet 2322, MedGen C3275495, MONDO:0010465, OMIM 300867.

gnomAD v4.1: 1 of 1,208,352 alleles (0.000083%); no homozygotes.

Submission:

Labcorp Genetics (formerly Invitae), Labcorp
Classification: Uncertain significance for Kabuki syndrome 2. Last evaluated: 2022-09-27. Review status: criteria provided, single submitter. Criteria: Invitae Variant Classification Sherloc (09022015). Collection method: clinical testing. Allele origin: germline.
Comment: This variant is not present in population databases (gnomAD no frequency). This sequence change replaces valine, which is neutral and non-polar, with alanine, which is neutral and non-polar, at codon 1122 of the KDM6A protein (p.Val1122Ala). This variant has not been reported in the literature in individuals affected with KDM6A-related conditions. Advanced modeling of protein sequence and biophysical properties (such as structural, functional, and spatial information, amino acid conservation, physicochemical variation, residue mobility, and thermodynamic stability) performed at Invitae indicates that this missense variant is expected to disrupt KDM6A protein function. In summary, the available evidence is currently insufficient to determine the role of this variant in disease. Therefore, it has been classified as a Variant of Uncertain Significance.

NM_001291415.2(KDM6A):c.3521T>C (p.Val1174Ala)

Gene: KDM6A (lysine demethylase 6A; plus strand). Cytogenetic location: Xp11.3.
Variant type: single nucleotide variant.
Coding change: c.3521T>C on transcript NM_001291415.2 (MANE Select); coding-DNA position 3521, T replaced by C.
Protein change: p.Val1174Ala; replaces valine 1174 with alanine.
Molecular consequence: missense variant. On other transcripts: non-coding transcript variant (1).
Genome position (GRCh38, 1-based): chrX:45,083,540, T>C. VCF-style: chrX-45083540-T-C. GRCh37 (hg19) VCF-style: chrX-44942785-T-C.
Other names: c.3386T>C, p.Val1129Ala (NM_001291416.2); c.3230T>C, p.Val1077Ala (NM_001291417.2); c.3128T>C, p.Val1043Ala (NM_001291418.2); c.2477T>C, p.Val826Ala (NM_001291421.2); c.3263T>C, p.Val1088Ala (NM_001410742.1); c.3365T>C, p.Val1122Ala (NM_021140.4); short protein forms V1043A, V1077A, V1088A, V1122A, V1129A, V1174A, V826A.
Identifiers: ClinVar variation 1720498 (VCV001720498.5), dbSNP rs2045512597, ClinGen allele CA412804567.